The following is an entry in ClinVar:

ClinVar aggregate classification (germline): Pathogenic (1 of 4 stars; one submission).

Conditions:
Biotinidase deficiency. Also called: BTD deficiency; Late-onset biotin-responsive multiple carboxylase deficiency; Biotin deficiency. Identifiers: Orphanet 79241, MedGen C0220754, MONDO:0009665, OMIM 253260.

gnomAD v4.1: 2 of 1,614,114 alleles (0.00012%); highest among the groups gnomAD compares: Non-Finnish European, 0.000085%; no homozygotes.

Submission:

Labcorp Genetics (formerly Invitae), Labcorp
Classification: Pathogenic for Biotinidase deficiency. Last evaluated: 2025-05-09. Review status: criteria provided, single submitter. Criteria: Invitae Variant Classification Sherloc (09022015). Collection method: clinical testing. Allele origin: germline.
Comment: This sequence change replaces proline, which is neutral and non-polar, with leucine, which is neutral and non-polar, at codon 73 of the BTD protein (p.Pro73Leu). This variant is not present in population databases (gnomAD no frequency). This missense change has been observed in individual(s) with biotinidase deficiency (PMID: 29995633, 34136440). In at least one individual the data is consistent with being in trans (on the opposite chromosome) from a pathogenic variant. Invitae Evidence Modeling of protein sequence and biophysical properties (such as structural, functional, and spatial information, amino acid conservation, physicochemical variation, residue mobility, and thermodynamic stability) indicates that this missense variant is expected to disrupt BTD protein function with a positive predictive value of 95%. For these reasons, this variant has been classified as Pathogenic.

Literature cited by the submitters: PubMed 29995633; PubMed 34136440.

NM_001370658.1(BTD):c.158C>T (p.Pro53Leu)

Gene: BTD (biotinidase; plus strand). Cytogenetic location: 3p25.1.
Variant type: single nucleotide variant.
Coding change: c.158C>T on transcript NM_001370658.1 (MANE Select); coding-DNA position 158, C replaced by T.
Protein change: p.Pro53Leu; replaces proline 53 with leucine.
Molecular consequence: missense variant.
Genome position (GRCh38, 1-based): chr3:15,635,597, C>T. VCF-style: chr3-15635597-C-T. GRCh37 (hg19) VCF-style: chr3-15677104-C-T.
Other names: c.158C>T, p.Pro53Leu (NM_001281723.4, NM_001281724.3, NM_001281725.3 and 37 more transcripts); short protein forms P53L.
Identifiers: ClinVar variation 4707435 (VCV004707435.1).
Genomic context (GRCh38, chr3:15,635,597, plus strand): 5'-ACGAGGCTGAATATTATGTGGCTGCCGTGTATGAGCATCCATCCATCCTGAGTCTGAACC[C>T]TCTGGCTCTCATCAGCCGCCAAGAGGCCTTGGAGCTCATGAACCAGAACCTTGACATCTA-3'
Protein context (NP_001357587.1, residues 43-63): YEHPSILSLN[Pro53Leu]LALISRQEAL